The following is an entry in ClinVar:

NM_001370298.3(FGD4):c.1472G>A (p.Arg491Gln)

Gene: FGD4 (FYVE, RhoGEF and PH domain containing 4; plus strand). Cytogenetic location: 12p11.21.
Variant type: single nucleotide variant.
Coding change: c.1472G>A on transcript NM_001370298.3 (MANE Select); coding-DNA position 1472, G replaced by A.
Protein change: p.Arg491Gln; replaces arginine 491 with glutamine.
Molecular consequence: missense variant.
Genome position (GRCh38, 1-based): chr12:32,608,024, G>A. VCF-style: chr12-32608024-G-A. GRCh37 (hg19) VCF-style: chr12-32760958-G-A.
Other names: c.1316G>A, p.Arg439Gln (NM_001304481.2); c.317G>A, p.Arg106Gln (NM_001304483.2); c.29G>A, p.Arg10Gln (NM_001304484.2); c.782G>A, p.Arg261Gln (NM_001330373.2, NM_001330374.2, NM_001384130.1); c.509G>A, p.Arg170Gln (NM_001370297.1); c.1472G>A, p.Arg491Gln (NM_001384126.1); c.1061G>A, p.Arg354Gln (NM_001384127.1, NM_001384128.1, NM_001385118.1 and 1 more transcripts); c.1061G>A (NM_139241.2); short protein forms R439Q, R354Q, R170Q, R261Q, R10Q, R106Q, R491Q.
Identifiers: ClinVar variation 476939 (VCV000476939.9), dbSNP rs1415031307, ClinGen allele CA384360478.
Genomic context (GRCh38, chr12:32,608,024, plus strand): 5'-AAATCTGTGGGAGCTTAACTTTGCAGCATCACATGCTAGAACCTGTTCAGCGGATTCCCC[G>A]GTATGAGATGCTCCTTAAGGACTATCTAAGGAAATTGCCTCCTGATTCCCTGGACTGGAA-3'
Protein context (NP_001357227.2, residues 481-501): HMLEPVQRIP[Arg491Gln]YEMLLKDYLR

ClinVar aggregate classification (germline): Uncertain significance. Review status: criteria provided, multiple submitters, no conflicts (2 of 4 stars). 2 submissions from 2 submitters: Uncertain significance (2). Last evaluated 2026-03-26.

Conditions:
Charcot-Marie-Tooth disease type 4. Also called: Charcot-Marie-Tooth, Type 4; Charcot-Marie-Tooth disease, type IV. Identifiers: Orphanet 64749, MedGen C4082197, MONDO:0018995.

Allele frequency attached by ClinVar (database versions not stated): gnomAD exomes 0.00001; gnomAD 0.00001; TOPMed 0.00001.
gnomAD v4.1: 5 of 1,614,050 alleles (0.00031%); highest among the groups gnomAD compares: Admixed American, 0.0067%; no homozygotes.

Submissions (2):

GeneDx
Classification: Uncertain significance. Last evaluated: 2026-03-26. Review status: criteria provided, single submitter. Criteria: GeneDx Variant Classification Process June 2021. Collection method: clinical testing. Allele origin: germline.
Comment: Not observed at significant frequency in large population cohorts (gnomAD); In silico analysis supports that this missense variant has a deleterious effect on protein structure/function; This variant is associated with the following publications: (PMID: 22734899, 34190362)

Labcorp Genetics (formerly Invitae), Labcorp
Classification: Uncertain significance for Charcot-Marie-Tooth disease type 4. Last evaluated: 2017-02-16. Review status: criteria provided, single submitter. Criteria: Invitae Variant Classification Sherloc (09022015). Collection method: clinical testing. Allele origin: germline.
Comment: Algorithms developed to predict the effect of sequence changes on RNA splicing suggest that this variant may alter RNA splicing, but this prediction has not been confirmed by published transcriptional studies. In summary, this variant is a novel missense change with uncertain impact on protein function. It has been classified as a Variant of Uncertain Significance. Algorithms developed to predict the effect of missense changes on protein structure and function (SIFT, PolyPhen-2, Align-GVGD) all suggest that this variant is likely to be disruptive, but these predictions have not been confirmed by published functional studies. This variant is not present in population databases (ExAC no frequency) and has not been reported in the literature in individuals with an FGD4-related disease. This sequence change replaces arginine with glutamine at codon 354 of the FGD4 protein (p.Arg354Gln). The arginine residue is highly conserved and there is a small physicochemical difference between arginine and glutamine.